The following is an entry in ClinVar:

ClinVar aggregate classification (germline): Uncertain significance (1 of 4 stars; one submission).

Allele frequency attached by ClinVar (database versions not stated): ExAC 0.00001; gnomAD 0.00002 and 0.00003; gnomAD exomes 0.00002 and 0.00003; TOPMed 0.00002.
gnomAD v4.1: 35 of 1,613,838 alleles (0.0022%); highest among the groups gnomAD compares: Admixed American, 0.005%; no homozygotes.

Submission:

Labcorp Genetics (formerly Invitae), Labcorp
Classification: Uncertain significance. Last evaluated: 2025-07-28. Review status: criteria provided, single submitter. Criteria: Invitae Variant Classification Sherloc (09022015). Collection method: clinical testing. Allele origin: germline.
Comment: This sequence change replaces aspartic acid, which is acidic and polar, with asparagine, which is neutral and polar, at codon 37 of the CAPN5 protein (p.Asp37Asn). This variant is present in population databases (rs781003018, gnomAD 0.007%). This missense change has been observed in individual(s) with early-onset high myopia (PMID: 29453956). ClinVar contains an entry for this variant (Variation ID: 1359306). Invitae Evidence Modeling of protein sequence and biophysical properties (such as structural, functional, and spatial information, amino acid conservation, physicochemical variation, residue mobility, and thermodynamic stability) indicates that this missense variant is not expected to disrupt CAPN5 protein function with a negative predictive value of 80%. In summary, the available evidence is currently insufficient to determine the role of this variant in disease. Therefore, it has been classified as a Variant of Uncertain Significance.

Literature cited by the submitters: PubMed 29453956.

NM_004055.5(CAPN5):c.109G>A (p.Asp37Asn)

Gene: CAPN5 (calpain 5; plus strand). Cytogenetic location: 11q13.5.
Variant type: single nucleotide variant.
Coding change: c.109G>A on transcript NM_004055.5 (MANE Select); coding-DNA position 109, G replaced by A.
Protein change: p.Asp37Asn; replaces aspartic acid 37 with asparagine.
Molecular consequence: missense variant.
Genome position (GRCh38, 1-based): chr11:77,084,995, G>A. VCF-style: chr11-77084995-G-A. GRCh37 (hg19) VCF-style: chr11-76796041-G-A.
Other names: short protein forms D37N.
Identifiers: ClinVar variation 1359306 (VCV001359306.6), dbSNP rs781003018, ClinGen allele CA6196114.